The following is an entry in ClinVar:

ClinVar aggregate classification (germline): Likely benign (1 of 4 stars; one submission).

Submission:

CeGaT Center for Human Genetics Tuebingen
Classification: Likely benign. Last evaluated: 2025-10-01. Review status: criteria provided, single submitter. Criteria: CeGaT Center For Human Genetics Tuebingen Variant Classification Criteria Version 2. Collection method: clinical testing. Allele origin: germline. Affected: yes. Observed: 1 variant allele.
Comment: MUC4: PM2:Supporting, BP4, BP7

NM_018406.7(MUC4):c.3120T>A (p.Pro1040=)

Gene: MUC4 (mucin 4, cell surface associated). Cytogenetic location: 3q29.
Variant type: single nucleotide variant.
Coding change: c.3120T>A on transcript NM_018406.7 (MANE Select); coding-DNA position 3120, T replaced by A.
Protein change: p.Pro1040=; no amino-acid change (proline 1040 retained).
Molecular consequence: synonymous variant. On other transcripts: intron variant (2).
Genome position (GRCh38, 1-based): chr3:195,788,460, A>T on the plus strand (T>A on the coding strand, the complement: MUC4 is on the minus strand). VCF-style: chr3-195788460-A-T. GRCh37 (hg19) VCF-style: chr3-195515331-A-T.
Other names: c.83-14155T>A (NM_138297.5); c.83-10005T>A (NM_004532.6).
Identifiers: ClinVar variation 4534355 (VCV004534355.6).